The following is an entry in ClinVar:

ClinVar aggregate classification (germline): Uncertain significance (1 of 4 stars; one submission).

Submission:

Labcorp Genetics (formerly Invitae), Labcorp
Classification: Uncertain significance. Last evaluated: 2022-09-29. Review status: criteria provided, single submitter. Criteria: Invitae Variant Classification Sherloc (09022015). Collection method: clinical testing. Allele origin: germline.
Comment: In summary, the available evidence is currently insufficient to determine the role of this variant in disease. Therefore, it has been classified as a Variant of Uncertain Significance. Advanced modeling of protein sequence and biophysical properties (such as structural, functional, and spatial information, amino acid conservation, physicochemical variation, residue mobility, and thermodynamic stability) performed at Invitae indicates that this missense variant is not expected to disrupt SAG protein function. This missense change has been observed in individual(s) with retinitis pigmentosa (Invitae). This variant is not present in population databases (gnomAD no frequency). This sequence change replaces methionine, which is neutral and non-polar, with lysine, which is basic and polar, at codon 135 of the SAG protein (p.Met135Lys).

NM_000541.5(SAG):c.404T>A (p.Met135Lys)

Gene: SAG (S-antigen visual arrestin; plus strand). Cytogenetic location: 2q37.1.
Variant type: single nucleotide variant.
Coding change: c.404T>A on transcript NM_000541.5 (MANE Select); coding-DNA position 404, T replaced by A.
Protein change: p.Met135Lys; replaces methionine 135 with lysine.
Molecular consequence: missense variant.
Genome position (GRCh38, 1-based): chr2:233,322,974, T>A. VCF-style: chr2-233322974-T-A. GRCh37 (hg19) VCF-style: chr2-234231620-T-A.
Other names: short protein forms M135K.
Identifiers: ClinVar variation 1720671 (VCV001720671.5), dbSNP rs2469773683, ClinGen allele CA351046785.